The following is an entry in ClinVar:

ClinVar aggregate classification (germline): Uncertain significance (1 of 4 stars; one submission).

Conditions:
Cowden syndrome 6 (CWS6). Identifiers: Orphanet 201, MedGen C3554519, MONDO:0014048, OMIM 615109.

Allele frequency attached by ClinVar (database versions not stated): gnomAD exomes 0.00001.

Submission:

Labcorp Genetics (formerly Invitae), Labcorp
Classification: Uncertain significance for Cowden syndrome 6. Last evaluated: 2019-08-29. Review status: criteria provided, single submitter. Criteria: Invitae Variant Classification Sherloc (09022015). Collection method: clinical testing. Allele origin: germline.
Comment: This sequence change replaces arginine with glutamine at codon 241 of the AKT1 protein (p.Arg241Gln). The arginine residue is highly conserved and there is a small physicochemical difference between arginine and glutamine. This variant is not present in population databases (ExAC no frequency). This variant has not been reported in the literature in individuals with AKT1-related conditions. Algorithms developed to predict the effect of missense changes on protein structure and function are either unavailable or do not agree on the potential impact of this missense change (SIFT: "Tolerated"; PolyPhen-2: "Probably Damaging"; Align-GVGD: "Class C0"). Algorithms developed to predict the effect of sequence changes on RNA splicing suggest that this variant may create or strengthen a splice site, but this prediction has not been confirmed by published transcriptional studies. In summary, the available evidence is currently insufficient to determine the role of this variant in disease. Therefore, it has been classified as a Variant of Uncertain Significance.

NM_001382430.1(AKT1):c.722G>A (p.Arg241Gln)

Gene: AKT1 (AKT serine/threonine kinase 1; minus strand). Cytogenetic location: 14q32.33.
Variant type: single nucleotide variant.
Coding change: c.722G>A on transcript NM_001382430.1 (MANE Select); coding-DNA position 722, G replaced by A.
Protein change: p.Arg241Gln; replaces arginine 241 with glutamine.
Molecular consequence: missense variant.
Genome position (GRCh38, 1-based): chr14:104,773,561, C>T on the plus strand (G>A on the coding strand, the complement: AKT1 is on the minus strand). VCF-style: chr14-104773561-C-T. GRCh37 (hg19) VCF-style: chr14-105239898-C-T.
Other names: c.722G>A, p.Arg241Gln (NM_001014431.2, NM_001014432.2, NM_001382431.1 and 3 more transcripts); short protein forms R241Q.
Identifiers: ClinVar variation 964365 (VCV000964365.9), dbSNP rs1244832277, ClinGen allele CA391218526.
Genomic context (GRCh38, chr14:104,773,561, plus strand): 5'-AGGGCTGACACAATCTCAGCGCCATAGAAGCGGGCCCGGTCCTCGGAGAACACACGCTCC[C>T]GGGACAGGTGGAAGAACAGCTGCGGGAGGCGCAACCTGAGGCACAGCCGTGGCTCGGGCC-3'
Protein context (NP_001369359.1, residues 231-251): NGGELFFHLS[Arg241Gln]ERVFSEDRAR